The following is an entry in ClinVar:

NM_000548.5(TSC2):c.2635_2637del (p.Ser879del)

Gene: TSC2 (TSC complex subunit 2; plus strand). Cytogenetic location: 16p13.3.
Variant type: Deletion.
Coding change: c.2635_2637del on transcript NM_000548.5 (MANE Select); coding-DNA positions 2635 to 2637, 3 bases deleted (TCC; older notation c.2635_2637delTCC).
Protein change: p.Ser879del; deletes serine 879.
Molecular consequence: inframe deletion. On other transcripts: inframe indel (32).
Genome position (GRCh38, 1-based): chr16:2,075,888-2,075,890, TCC deleted; deleting any 3 consecutive bases within chr16:2,075,886-2,075,890 gives the same sequence; the c. name uses the placement nearest the transcript's 3' end. VCF-style (leftmost placement, unchanged base first): chr16-2075885-CCCT-C. GRCh37 (hg19) VCF-style: chr16-2125886-CCCT-C.
Other names: c.2635_2637del, p.Ser879del (NM_001077183.3, NM_001114382.3, NM_001363528.2 and 3 more transcripts); c.2524_2526del, p.Ser842del (NM_001318827.2); c.2488_2490del, p.Ser830del (NM_001318829.2); c.2035_2037del, p.Ser679del (NM_001318831.2); c.2668_2670del, p.Ser890del (NM_001318832.2); c.2635_2637delTCC, p.Ser879del (NM_001406663.1, NM_001406664.1, NM_001406665.1); c.2725_2727delTCC, p.Ser909del (NM_001406667.1, NM_001406668.1); c.2524_2526delTCC, p.Ser842del (NM_001406670.1, NM_001406678.1); and 7 more; short protein forms S679del, S842del, S890del, S345del, S725del, S875del, S879del, S431del.
Identifiers: ClinVar variation 1794102 (VCV001794102.2), dbSNP rs2543892123, ClinGen allele CA2580090862.

ClinVar aggregate classification (germline): Uncertain significance (1 of 4 stars; one submission).

Conditions:
Hereditary cancer-predisposing syndrome. Also called: Tumor predisposition; Hereditary Cancer Syndrome; Neoplastic Syndromes, Hereditary; Hereditary neoplastic syndrome. Identifiers: Orphanet 140162, MedGen C0027672, MeSH D009386, MONDO:0015356.

Submission:

Ambry Genetics
Classification: Uncertain significance for Hereditary cancer-predisposing syndrome. Last evaluated: 2022-06-02. Review status: criteria provided, single submitter. Criteria: Ambry Variant Classification Scheme 2023. Collection method: clinical testing. Allele origin: germline.
Comment: The c.2635_2637delTCC variant (also known as p.S879del) is located in coding exon 22 of the TSC2 gene. This variant results from an in-frame TCC deletion at nucleotide positions 2635 to 2637. This results in the in-frame deletion of a serine at codon 879. This amino acid position is highly conserved in available vertebrate species. In addition, this alteration is predicted to be deleterious by in silico analysis (Choi Y et al. PLoS ONE. 2012; 7(10):e46688). Since supporting evidence is limited at this time, the clinical significance of this alteration remains unclear.